The following is an entry in ClinVar:

ClinVar aggregate classification (germline): Uncertain significance (1 of 4 stars; one submission).

Conditions:
Cardiovascular phenotype. Identifiers: MedGen CN230736.

Submission:

Ambry Genetics
Classification: Uncertain significance for Cardiovascular phenotype. Last evaluated: 2019-07-27. Review status: criteria provided, single submitter. Criteria: Ambry Variant Classification Scheme 2023. Collection method: clinical testing. Allele origin: germline.
Comment: The c.847_848delGCinsTT variant, (also known as p.A283L) located in coding exon 5 of the ALMS1 gene, results from an in-frame deletion of GC and insertion of TT at nucleotide positions 847 to 848. This results in the substitution of the alanine residue for a leucine residue at codon 283, an amino acid with similar properties. This amino acid position is poorly conserved in available vertebrate species. In addition, this alteration is predicted to be neutral by PROVEAN in silico analysis (Choi Y et al. PLoS ONE, 2012 Oct;7:e46688). Since supporting evidence is limited at this time, the clinical significance of this alteration remains unclear.

Literature cited by the submitters: PubMed 23056405.

NM_001378454.1(ALMS1):c.844_845delinsTT (p.Ala282Leu)

Gene: ALMS1 (ALMS1 centrosome and basal body associated protein; plus strand). Cytogenetic location: 2p13.1.
Variant type: Indel.
Coding change: c.844_845delinsTT on transcript NM_001378454.1 (MANE Select); coding-DNA positions 844 to 845, GC replaced by TT.
Protein change: p.Ala282Leu; replaces alanine 282 with leucine.
Molecular consequence: missense variant.
Genome position (GRCh38, 1-based): chr2:73,424,509-73,424,510, GC replaced by TT. VCF-style: chr2-73424509-GC-TT. GRCh37 (hg19) VCF-style: chr2-73651637-GC-TT.
Other names: c.847_848delinsTT, p.Ala283Leu (NM_015120.4); c.847_848delGCinsTT (NM_015120.4); short protein forms A283L, A282L.
Identifiers: ClinVar variation 1763508 (VCV001763508.2), dbSNP rs2466045983, ClinGen allele CA2580067883.